The following is an entry in ClinVar:

NM_000540.3(RYR1):c.10679A>G (p.Gln3560Arg)

Gene: RYR1 (ryanodine receptor 1; plus strand). Cytogenetic location: 19q13.2.
Variant type: single nucleotide variant.
Coding change: c.10679A>G on transcript NM_000540.3 (MANE Select); coding-DNA position 10679, A replaced by G.
Protein change: p.Gln3560Arg; replaces glutamine 3560 with arginine.
Molecular consequence: missense variant.
Genome position (GRCh38, 1-based): chr19:38,527,045, A>G. VCF-style: chr19-38527045-A-G. GRCh37 (hg19) VCF-style: chr19-39017685-A-G.
Other names: c.10664A>G, p.Gln3555Arg (NM_001042723.2); short protein forms Q3555R, Q3560R.
Identifiers: ClinVar variation 3385537 (VCV003385537.3).

ClinVar aggregate classification (germline): Uncertain significance. Review status: criteria provided, multiple submitters, no conflicts (2 of 4 stars). 2 submissions from 2 submitters: Uncertain significance (2). Last evaluated 2024-07-10.

Conditions:
Malignant hyperthermia, susceptibility to, 1 (MHS1). Also called: Malignant hyperthermia suceptibility 1; Anesthesia related hyperthermia; Malignant hyperpyrexia; Fulminating hyperpyrexia; Pharmacogenic myopathy; RYR1-Related Malignant Hyperthermia Susceptibility. Identifiers: Orphanet 423, MedGen C2930980, MONDO:0007783, OMIM 145600.
Central core myopathy (CMYO1A). Also called: CONGENITAL MYOPATHY 1A, AUTOSOMAL DOMINANT, WITH SUSCEPTIBILITY TO MALIGNANT HYPERTHERMIA; Central core disease; Myopathy, central fibrillar. Identifiers: Orphanet 597, MedGen C5830701, MONDO:0007294, OMIM 117000.
Congenital multicore myopathy with external ophthalmoplegia (CMYO1B). Also called: MULTIMINICORE DISEASE WITH EXTERNAL OPHTHALMOPLEGIA; Congenital myopathy 1B, autosomal recessive; Minicore myopathy; MULTICORE MYOPATHY; Minicore myopathy with external ophthalmoplegia. Identifiers: Orphanet 598, Orphanet 98905, MedGen C1850674, MONDO:0009712, OMIM 255320, HP:0003789.
King Denborough syndrome (KDS). Identifiers: MedGen C1840365, MONDO:0020485, OMIM 619542.

gnomAD v4.1: 2 of 1,613,796 alleles (0.00012%); highest among the groups gnomAD compares: East Asian, 0.0045%; no homozygotes.

Submissions (2):

All of Us Research Program, National Institutes of Health
Classification: Uncertain significance for Malignant hyperthermia, susceptibility to, 1. Last evaluated: 2024-07-10. Review status: criteria provided, single submitter. Criteria: ACMG Guidelines, 2015. Collection method: clinical testing. Allele origin: germline. Inheritance: Autosomal dominant inheritance. Observed: 1 variant allele, 1 heterozygote.
Comment: This missense variant replaces glutamine with arginine at codon 3560 of the RYR1 protein. Computational prediction suggests that this variant may have deleterious impact on protein structure and function (internally defined REVEL score threshold >= 0.7, PMID: 27666373). To our knowledge, functional studies have not been reported for this variant. This variant has not been reported in individuals affected with RYR1-related disorders in the literature. This variant has been identified in 1/251430 chromosomes in the general population by the Genome Aggregation Database (gnomAD). The available evidence is insufficient to determine the role of this variant in disease conclusively. Therefore, this variant is classified as a Variant of Uncertain Significance.

This study involves interpretation of variants in research participants for the purpose of population health screening. Participant phenotype was not available at the time of variant classification. Additional details can be found in publication PMID: 35346344, PMCID: PMC8962531

Juno Genomics, Hangzhou Juno Genomics, Inc
Classification: Uncertain significance for Central core myopathy; Congenital multicore myopathy with external ophthalmoplegia; Malignant hyperthermia, susceptibility to, 1; King Denborough syndrome. Review status: criteria provided, single submitter. Criteria: ACMG Guidelines, 2015. Collection method: clinical testing. Allele origin: germline.
Comment: Missense variant in a gene that has a low rate of benign missense variation.;Multiple lines of computational evidence support a deleterious effect on the gene or gene product.;Absent from controls (or at extremely low frequency if recessive) in Genome Aggregation Database.